The following is an entry in ClinVar:

NM_004684.6(SPARCL1):c.625G>T (p.Gly209Cys)

Gene: SPARCL1 (SPARC like 1; minus strand). Cytogenetic location: 4q22.1.
Variant type: single nucleotide variant.
Coding change: c.625G>T on transcript NM_004684.6 (MANE Select); coding-DNA position 625, G replaced by T.
Protein change: p.Gly209Cys; replaces glycine 209 with cysteine.
Molecular consequence: missense variant.
Genome position (GRCh38, 1-based): chr4:87,494,175, C>A on the plus strand (G>T on the coding strand, the complement: SPARCL1 is on the minus strand). VCF-style: chr4-87494175-C-A. GRCh37 (hg19) VCF-style: chr4-88415327-C-A.
Other names: c.625G>T, p.Gly209Cys (NM_001128310.3); c.250G>T, p.Gly84Cys (NM_001291976.2, NM_001291977.2); short protein forms G209C, G84C.
Identifiers: ClinVar variation 2632831 (VCV002632831.1), dbSNP rs1724503244, ClinGen allele CA357596737.

ClinVar aggregate classification (germline): Uncertain significance (1 of 4 stars; one submission).

Conditions:
SPARCL1-related disorder. Also called: SPARCL1-related condition.

Allele frequency attached by ClinVar (database versions not stated): TOPMed below 0.00001.

Submission:

PreventionGenetics, part of Exact Sciences
Classification: Uncertain significance for SPARCL1-related condition. Last evaluated: 2023-04-27. Review status: criteria provided, single submitter. Criteria: ACMG Guidelines, 2015. Collection method: clinical testing. Allele origin: germline.
Comment: The SPARCL1 c.625G>T variant is predicted to result in the amino acid substitution p.Gly209Cys. To our knowledge, this variant has not been reported in the literature or in a large population database, indicating this variant is rare. At this time, the clinical significance of this variant is uncertain due to the absence of conclusive functional and genetic evidence.